The following is an entry in ClinVar:

NM_005491.5(MAMLD1):c.1151C>T (p.Pro384Leu)

Gene: MAMLD1 (mastermind like domain containing 1; plus strand). Cytogenetic location: Xq28.
Variant type: single nucleotide variant.
Coding change: c.1151C>T on transcript NM_005491.5 (MANE Select); coding-DNA position 1151, C replaced by T.
Protein change: p.Pro384Leu; replaces proline 384 with leucine.
Molecular consequence: missense variant.
Genome position (GRCh38, 1-based): chrX:150,470,724, C>T. VCF-style: chrX-150470724-C-T. GRCh37 (hg19) VCF-style: chrX-149638996-C-T.
Other names: c.1076C>T, p.Pro359Leu (NM_001177465.3, NM_001177466.3, NM_001400514.1); c.1151C>T, p.Pro384Leu (NM_001400512.1, NM_001400513.1, NM_001400515.1); short protein forms P384L, P359L.
Identifiers: ClinVar variation 1512112 (VCV001512112.6), dbSNP rs370173998, ClinGen allele CA10538757.

ClinVar aggregate classification (germline): Uncertain significance. Review status: criteria provided, multiple submitters, no conflicts (2 of 4 stars). 2 submissions from 2 submitters: Uncertain significance (2). Last evaluated 2025-09-02.

Allele frequency attached by ClinVar (database versions not stated): ExAC 0.00002; gnomAD exomes 0.00003 and 0.00006; gnomAD 0.00007 and 0.00008; TOPMed 0.00008; ESP Exome Variant Server 0.00009.
gnomAD v4.1: 77 of 1,210,398 alleles (0.0064%); highest among the groups gnomAD compares: Non-Finnish European, 0.0085%; 1 homozygote.

Submissions (2):

Labcorp Genetics (formerly Invitae), Labcorp
Classification: Uncertain significance. Last evaluated: 2025-09-02. Review status: criteria provided, single submitter. Criteria: Invitae Variant Classification Sherloc (09022015). Collection method: clinical testing. Allele origin: germline.
Comment: This sequence change replaces proline, which is neutral and non-polar, with leucine, which is neutral and non-polar, at codon 384 of the MAMLD1 protein (p.Pro384Leu). This variant is present in population databases (rs370173998, gnomAD 0.009%), including at least one homozygous and/or hemizygous individual. This missense change has been observed in individual(s) with a 46,XY disorder of sex development (PMID: 22479329). ClinVar contains an entry for this variant (Variation ID: 1512112). An algorithm developed to predict the effect of missense changes on protein structure and function (PolyPhen-2) suggests that this variant is likely to be disruptive. Experimental studies have shown that this missense change affects MAMLD1 function (PMID: 22479329). In summary, the available evidence is currently insufficient to determine the role of this variant in disease. Therefore, it has been classified as a Variant of Uncertain Significance.

Mendelics
Classification: Uncertain significance. Last evaluated: 2022-05-04. Review status: criteria provided, single submitter. Criteria: Mendelics Assertion Criteria 2019. Collection method: clinical testing. Allele origin: germline.

Literature cited by the submitters: PubMed 22479329 (cited by Labcorp Genetics (formerly Invitae), Labcorp).